The following is an entry in ClinVar:

ClinVar aggregate classification (germline): Uncertain significance (1 of 4 stars; one submission).

Conditions:
Immunodeficiency 104. Also called: IMMUNODEFICIENCY 104, SEVERE COMBINED; Severe combined immunodeficiency, autosomal recessive, T cell-negative, B cell-positive, NK cell-positive; SCID, AUTOSOMAL RECESSIVE, T CELL-NEGATIVE, B CELL-POSITIVE, NK CELL-POSITIVE; Severe Combined Immune Deficiency, Autosomal Recessive, TCell -Negative, B Cell-Positive, NK Cell-Positive, IL7R-Related. Identifiers: MedGen C5676890, MONDO:0012163, OMIM 608971.

Allele frequency attached by ClinVar (database versions not stated): ExAC 0.00001; gnomAD 0.00001; gnomAD exomes 0.00001; TOPMed 0.00001; ESP Exome Variant Server 0.00008.
gnomAD v4.1: 8 of 1,612,368 alleles (0.0005%); highest among the groups gnomAD compares: Non-Finnish European, 0.00068%; no homozygotes.

Submission:

Labcorp Genetics (formerly Invitae), Labcorp
Classification: Uncertain significance for Immunodeficiency 104. Last evaluated: 2022-08-15. Review status: criteria provided, single submitter. Criteria: Invitae Variant Classification Sherloc (09022015). Collection method: clinical testing. Allele origin: germline.
Comment: This sequence change replaces aspartic acid, which is acidic and polar, with histidine, which is basic and polar, at codon 1092 of the PTPRC protein (p.Asp1092His). This variant is present in population databases (rs368690279, gnomAD 0.0009%). This variant has not been reported in the literature in individuals affected with PTPRC-related conditions. Algorithms developed to predict the effect of missense changes on protein structure and function are either unavailable or do not agree on the potential impact of this missense change (SIFT: "Deleterious"; PolyPhen-2: "Probably Damaging"; Align-GVGD: "Class C0"). In summary, the available evidence is currently insufficient to determine the role of this variant in disease. Therefore, it has been classified as a Variant of Uncertain Significance.

NM_002838.5(PTPRC):c.3274G>C (p.Asp1092His)

Gene: PTPRC (protein tyrosine phosphatase receptor type C; plus strand). Cytogenetic location: 1q32.1.
Variant type: single nucleotide variant.
Coding change: c.3274G>C on transcript NM_002838.5 (MANE Select); coding-DNA position 3274, G replaced by C.
Protein change: p.Asp1092His; replaces aspartic acid 1092 with histidine.
Molecular consequence: missense variant.
Genome position (GRCh38, 1-based): chr1:198,752,315, G>C. VCF-style: chr1-198752315-G-C. GRCh37 (hg19) VCF-style: chr1-198721444-G-C.
Other names: c.2791G>C, p.Asp931His (NM_080921.4); short protein forms D1092H, D931H.
Identifiers: ClinVar variation 2142676 (VCV002142676.1), dbSNP rs368690279, ClinGen allele CA1315398.